The following is an entry in ClinVar:

NM_002150.3(HPD):c.5C>T (p.Thr2Met)

Genes: HPD (4-hydroxyphenylpyruvate dioxygenase; minus strand), TIALD (transcript inducer of AURKA lysosomal degradation; plus strand). Cytogenetic location: 12q24.31.
Variant type: single nucleotide variant.
Coding change: c.5C>T on transcript NM_002150.3 (MANE Select); coding-DNA position 5, C replaced by T.
Protein change: p.Thr2Met; replaces threonine 2 with methionine.
Molecular consequence: missense variant. On other transcripts: 5 prime UTR variant (1).
Genome position (GRCh38, 1-based): chr12:121,858,712, G>A on the plus strand (C>T on the coding strand, the complement: HPD is on the minus strand). VCF-style: chr12-121858712-G-A. GRCh37 (hg19) VCF-style: chr12-122296618-G-A.
Other names: c.-113C>T (NM_001171993.2); short protein forms T2M.
Identifiers: ClinVar variation 307491 (VCV000307491.9), dbSNP rs774495352, ClinGen allele CA6839892.

ClinVar aggregate classification (germline): Uncertain significance. Review status: criteria provided, multiple submitters, no conflicts (2 of 4 stars). 3 submissions from 3 submitters: Uncertain significance (3). Last evaluated 2024-10-14.

Conditions:
Inborn genetic diseases. Identifiers: MedGen C0950123, MeSH D030342.

Allele frequency attached by ClinVar (database versions not stated): gnomAD 0.00003 and 0.00004; gnomAD exomes 0.00004 and 0.00009; ExAC 0.00006; TOPMed 0.00006.
gnomAD v4.1: 62 of 1,613,968 alleles (0.0038%); highest among the groups gnomAD compares: East Asian, 0.029%; no homozygotes.

Submissions (3):

Women's Health and Genetics/Laboratory Corporation of America, LabCorp
Classification: Uncertain significance. Last evaluated: 2024-10-14. Review status: criteria provided, single submitter. Criteria: LabCorp Variant Classification Summary - May 2015. Collection method: clinical testing. Allele origin: germline.
Comment: Variant summary: HPD c.5C>T (p.Thr2Met) results in a non-conservative amino acid change in the encoded protein sequence. Three of five in-silico tools predict a damaging effect of the variant on protein function. Consensus agreement among computation tools predict no significant impact on normal splicing. However, these predictions have yet to be confirmed by functional studies. The variant allele was found at a frequency of 8.7e-05 in 251482 control chromosomes. This frequency is not significantly higher than estimated for a pathogenic variant in HPD causing Tyrosinemia Type 3 (8.7e-05 vs 0.0011), allowing no conclusion about variant significance. c.5C>T has been reported in the literature in individuals testing positive for tyrosinemia upon newborn screening (example, Yang_2019). These report(s) do not provide unequivocal conclusions about association of the variant with Tyrosinemia Type 3. To our knowledge, no experimental evidence demonstrating an impact on protein function has been reported. The following publication has been ascertained in the context of this evaluation (PMID: 30838026). ClinVar contains an entry for this variant (Variation ID: 307491). Based on the evidence outlined above, the variant was classified as uncertain significance.

Ambry Genetics
Classification: Uncertain significance for Inborn genetic diseases. Last evaluated: 2021-01-29. Review status: criteria provided, single submitter. Criteria: Ambry Variant Classification Scheme 2023. Collection method: clinical testing. Allele origin: germline.

Breakthrough Genomics
Classification: Uncertain significance. Review status: criteria provided, single submitter. Criteria: ACMG Guidelines, 2015. Collection method: not provided. Allele origin: germline. Inheritance: Autosomal recessive inheritance. Affected: yes.

Literature cited by the submitters: PubMed 30838026 (cited by Women's Health and Genetics/Laboratory Corporation of America, LabCorp).